The following is an entry in ClinVar:

ClinVar aggregate classification (germline): Pathogenic (1 of 4 stars; one submission).

Allele frequency attached by ClinVar (database versions not stated): gnomAD exomes below 0.00001.

Submission:

Labcorp Genetics (formerly Invitae), Labcorp
Classification: Pathogenic. Last evaluated: 2022-11-15. Review status: criteria provided, single submitter. Criteria: Invitae Variant Classification Sherloc (09022015). Collection method: clinical testing. Allele origin: germline.
Comment: This variant is not present in population databases (gnomAD no frequency). This sequence change affects a donor splice site in intron 24 of the SLC12A3 gene. RNA analysis indicates that disruption of this splice site induces altered splicing and may result in an absent or disrupted protein product. Disruption of this splice site has been observed in individual(s) with Gitelman syndrome (PMID: 9596079, 27454426). In at least one individual the data is consistent with being in trans (on the opposite chromosome) from a pathogenic variant. It has also been observed to segregate with disease in related individuals. For these reasons, this variant has been classified as Pathogenic. Studies have shown that disruption of this splice site results in skipping of exon 24 and introduces a premature termination codon (PMID: 9596079). The resulting mRNA is expected to undergo nonsense-mediated decay. ClinVar contains an entry for this variant (Variation ID: 1067670).

Literature cited by the submitters: PubMed 9596079; PubMed 27454426.

NM_001126108.2(SLC12A3):c.2856+2T>A

Gene: SLC12A3 (solute carrier family 12 member 3; plus strand). Cytogenetic location: 16q13.
Variant type: single nucleotide variant.
Coding change: c.2856+2T>A on transcript NM_001126108.2 (MANE Select); the canonical splice donor site of the intron after coding-DNA position 2856, T replaced by A.
Molecular consequence: splice donor variant.
Genome position (GRCh38, 1-based): chr16:56,902,510, T>A. VCF-style: chr16-56902510-T-A. GRCh37 (hg19) VCF-style: chr16-56936422-T-A.
Other names: c.2883+2T>A (NM_000339.3); c.2880+2T>A (NM_001126107.2); c.2853+2T>A (NM_001410896.1).
Identifiers: ClinVar variation 1067670 (VCV001067670.9), dbSNP rs1473511018, ClinGen allele CA396001606.
Genomic context (GRCh38, chr16:56,902,510, plus strand): 5'-TGCGGCGGGACTGCCCCTGGAAGATCTCAGATGAGGAGATTACGAAGAACAGAGTCAAGG[T>A]GCAGAGAGGGGTGGGGGTGGGAAACGCGACACATCACTGGGTCAGGGACGGGTGTCCTGC-3'